The following is an entry in ClinVar:

NM_000260.4(MYO7A):c.2425C>T (p.Gln809Ter)

Gene: MYO7A (myosin VIIA; plus strand). Cytogenetic location: 11q13.5.
Variant type: single nucleotide variant.
Coding change: c.2425C>T on transcript NM_000260.4 (MANE Select); coding-DNA position 2425, C replaced by T.
Protein change: p.Gln809Ter; replaces glutamine 809 with a stop codon.
Molecular consequence: nonsense.
Genome position (GRCh38, 1-based): chr11:77,179,792, C>T. VCF-style: chr11-77179792-C-T. GRCh37 (hg19) VCF-style: chr11-76890838-C-T.
Other names: c.2425C>T, p.Gln809Ter (NM_001127180.2); c.2392C>T, p.Gln798Ter (NM_001369365.1); short protein forms Q798*, Q809*.
Identifiers: ClinVar variation 1726043 (VCV001726043.2), dbSNP rs1955013824, ClinGen allele CA381941572.

ClinVar aggregate classification (germline): Likely pathogenic (1 of 4 stars; one submission).

Conditions:
Usher syndrome type 1 (USH1). Also called: RETINITIS PIGMENTOSA AND CONGENITAL DEAFNESS. Identifiers: Orphanet 231169, Orphanet 886, MedGen C1568247, MONDO:0010168, OMIM 276900.

Submission:

Myriad Genetics, Inc.
Classification: Likely pathogenic for Usher syndrome type 1. Last evaluated: 2022-05-11. Review status: criteria provided, single submitter. Criteria: Myriad Women's Health Autosomal Recessive and X-Linked Classification Criteria (2021). Collection method: clinical testing. Allele origin: unknown.
Comment: NM_000260.3(MYO7A):c.2425C>T(Q809*) is expected to be pathogenic in the context of MYO7A-related disorders. This variant is predicted to lead to an abnormal or absent protein product due to the creation of a premature termination codon in MYO7A, a gene where loss-of-function variants are known to be pathogenic. Please note: this variant was assessed in the context of healthy population screening.